The following is an entry in ClinVar:

ClinVar aggregate classification (germline): Benign/Likely benign. Review status: criteria provided, multiple submitters, no conflicts (2 of 4 stars). 11 submissions from 11 submitters: Benign (5); Likely benign (4). 2 of the submissions do not count toward it. Last evaluated 2026-06-01.

Conditions:
DOK7-related disorder. Also called: DOK7-related condition.
Fetal akinesia deformation sequence 1 (FADS1). Also called: Pena-Shokeir syndrome type I; Fetal akinesia sequence. Identifiers: Orphanet 994, MedGen C1276035, MONDO:0100101, OMIM 208150, HP:0001989.
Congenital myasthenic syndrome 10. Also called: Myasthenia, limb-girdle, familial. Identifiers: Orphanet 590, MedGen C1850792, MONDO:0009690, OMIM 254300.

Allele frequency attached by ClinVar (database versions not stated): 1000 Genomes Project 30x 0.00172; 1000 Genomes Project 0.00200; gnomAD 0.00435 and 0.00470; TOPMed 0.00477; ExAC 0.00522; ESP Exome Variant Server 0.00530; gnomAD exomes 0.00539 and 0.00550.
gnomAD v4.1: 8,707 of 1,611,020 alleles (0.54%); highest among the groups gnomAD compares: Non-Finnish European, 0.5%; 60 homozygotes.

Submissions (11):

CeGaT Center for Human Genetics Tuebingen
Classification: Likely benign. Last evaluated: 2026-06-01. Review status: criteria provided, single submitter. Criteria: CeGaT Center For Human Genetics Tuebingen Variant Classification Criteria Version 2. Collection method: clinical testing. Allele origin: germline. Affected: yes. Observed: 16 variant alleles.
Comment: DOK7: BP4, BS2

Labcorp Genetics (formerly Invitae), Labcorp
Classification: Benign for Congenital myasthenic syndrome 10; Fetal akinesia deformation sequence 1. Last evaluated: 2026-02-04. Review status: criteria provided, single submitter. Criteria: Invitae Variant Classification Sherloc (09022015). Collection method: clinical testing. Allele origin: germline.

PreventionGenetics, part of Exact Sciences
Classification: Benign for DOK7-related condition. Last evaluated: 2025-02-08. Review status: criteria provided, single submitter. Criteria: ACMG Guidelines, 2015. Collection method: clinical testing. Allele origin: germline.
Comment: This variant is classified as benign based on ACMG/AMP sequence variant interpretation guidelines (Richards et al. 2015 PMID: 25741868, with internal and published modifications).

Mendelics
Classification: Benign for Fetal akinesia deformation sequence 1. Last evaluated: 2023-08-22. Review status: criteria provided, single submitter. Criteria: Mendelics Assertion Criteria 2019. Collection method: clinical testing. Allele origin: germline.

Mayo Clinic Laboratories, Mayo Clinic
Classification: Benign. Last evaluated: 2023-05-25. Review status: criteria provided, single submitter. Criteria: ACMG Guidelines, 2015. Collection method: clinical testing. Allele origin: germline. Observed: 7 variant alleles.
Comment: BS1, BS2, BP4

Women's Health and Genetics/Laboratory Corporation of America, LabCorp
Classification: Likely benign. Last evaluated: 2022-05-25. Review status: criteria provided, single submitter. Criteria: LabCorp Variant Classification Summary - May 2015. Collection method: clinical testing. Allele origin: germline.
Comment: Variant summary: DOK7 c.134C>T (p.Ser45Leu) results in a non-conservative amino acid change located in the Pleckstrin homology domain (IPR001849) of the encoded protein sequence. Three of four in-silico tools predict a benign effect of the variant on protein function. The variant allele was found at a frequency of 0.0055 in 246904 control chromosomes in the gnomAD database, including 19 homozygotes. The observed variant frequency is approximately 4 fold of the estimated maximal expected allele frequency for a pathogenic variant in DOK7 causing Congenital Myasthenic Syndrome phenotype (0.0014), strongly suggesting that the variant is benign. c.134C>T has been reported in the literature in the heterozygous state together with the pathogenic variant c.1124_1127dupTGCC in individuals affected with Congenital Myasthenic Syndrome (example, Muller_2007, Ben Ammar_2010, Lorenzoni_2013). However, these reports do not provide unequivocal conclusions about association of the variant with Congenital Myasthenic Syndrome. At least one publication reports experimental evidence which suggests the variant has little to no impact on protein function (Cossins_2012). Six clinical diagnostic laboratories have submitted clinical-significance assessments for this variant to ClinVar after 2014 without evidence for independent evaluation. Two laboratories have classified the variant as benign, three as likely benign, and one as VUS. Based on the evidence outlined above, the variant was classified as likely benign.

GeneDx
Classification: Likely benign. Last evaluated: 2021-05-14. Review status: criteria provided, single submitter. Criteria: GeneDx Variant Classification Process June 2021. Collection method: clinical testing. Allele origin: germline. Affected: yes.
Comment: This variant is associated with the following publications: (PMID: 22661499, 23657916, 23452772, 20562457, 20012313, 26754003, 17439981, 31044425)

Eurofins Ntd Llc (ga)
Classification: Likely benign. Last evaluated: 2018-05-02. Review status: criteria provided, single submitter. Criteria: EGL ClinVar v180209 classification definitions. Collection method: clinical testing. Allele origin: germline. Observed: 11 variant alleles, 11 heterozygotes.

Center for Pediatric Genomic Medicine, Children's Mercy Hospital and Clinics
Classification: Benign. Last evaluated: 2015-04-13. Review status: criteria provided, single submitter. Criteria: ACMG Guidelines, 2015. Collection method: clinical testing. Allele origin: germline.

Clinical Genetics DNA and cytogenetics Diagnostics Lab, Erasmus MC, Erasmus Medical Center
Classification: Benign. Review status: no assertion criteria provided. Collection method: clinical testing. Allele origin: germline. Affected: yes. Study: VKGL Data-share Consensus. Not counted in ClinVar's aggregate classification.

Laboratory of Diagnostic Genome Analysis, Leiden University Medical Center (LUMC)
Classification: Likely benign. Review status: no assertion criteria provided. Collection method: clinical testing. Allele origin: germline. Affected: yes. Study: VKGL Data-share Consensus. Not counted in ClinVar's aggregate classification.

Literature cited by the submitters: PubMed 22661499 (cited by Women's Health and Genetics/Laboratory Corporation of America, LabCorp); PubMed 20012313 (cited by Women's Health and Genetics/Laboratory Corporation of America, LabCorp and Eurofins Ntd Llc (ga)); PubMed 23657916 (cited by Women's Health and Genetics/Laboratory Corporation of America, LabCorp and Eurofins Ntd Llc (ga)); PubMed 17439981 (cited by Women's Health and Genetics/Laboratory Corporation of America, LabCorp and Eurofins Ntd Llc (ga)); PubMed 20562457 (cited by Eurofins Ntd Llc (ga)).

NM_173660.5(DOK7):c.134C>T (p.Ser45Leu)

Gene: DOK7 (docking protein 7; plus strand). Cytogenetic location: 4p16.3.
Variant type: single nucleotide variant.
Coding change: c.134C>T on transcript NM_173660.5 (MANE Select); coding-DNA position 134, C replaced by T.
Protein change: p.Ser45Leu; replaces serine 45 with leucine.
Molecular consequence: missense variant. On other transcripts: intron variant (1).
Genome position (GRCh38, 1-based): chr4:3,473,439, C>T. VCF-style: chr4-3473439-C-T. GRCh37 (hg19) VCF-style: chr4-3475166-C-T.
Other names: c.134C>T, p.Ser45Leu (NM_001164673.2, NM_001301071.2); c.100+9888C>T (NM_001363811.2); short protein forms S45L.
Identifiers: ClinVar variation 196597 (VCV000196597.65), dbSNP rs62272670, ClinGen allele CA243605.